The following is an entry in ClinVar:

ClinVar aggregate classification (germline): Uncertain significance (1 of 4 stars; one submission).

Conditions:
Hereditary cancer-predisposing syndrome. Also called: Hereditary neoplastic syndrome; Tumor predisposition; Hereditary Cancer Syndrome; Neoplastic Syndromes, Hereditary. Identifiers: Orphanet 140162, MedGen C0027672, MeSH D009386, MONDO:0015356.

Allele frequency attached by ClinVar (database versions not stated): gnomAD exomes 0.00001.
gnomAD v4.1: 5 of 1,613,932 alleles (0.00031%); highest among the groups gnomAD compares: Non-Finnish European, 0.00042%; no homozygotes.

Submission:

Ambry Genetics
Classification: Uncertain significance for Hereditary cancer-predisposing syndrome. Last evaluated: 2023-08-29. Review status: criteria provided, single submitter. Criteria: Ambry Variant Classification Scheme 2023. Collection method: clinical testing. Allele origin: germline.
Comment: The p.S44L variant (also known as c.131C>T), located in coding exon 1 of the GREM1 gene, results from a C to T substitution at nucleotide position 131. The serine at codon 44 is replaced by leucine, an amino acid with dissimilar properties. This amino acid position is conserved. In addition, the in silico prediction for this alteration is inconclusive. Since supporting evidence is limited at this time, the clinical significance of this alteration remains unclear.

NM_013372.7(GREM1):c.131C>T (p.Ser44Leu)

Gene: GREM1 (gremlin 1, DAN family BMP antagonist; plus strand). Cytogenetic location: 15q13.3.
Variant type: single nucleotide variant.
Coding change: c.131C>T on transcript NM_013372.7 (MANE Select); coding-DNA position 131, C replaced by T.
Protein change: p.Ser44Leu; replaces serine 44 with leucine.
Molecular consequence: missense variant. On other transcripts: intron variant (2).
Genome position (GRCh38, 1-based): chr15:32,730,821, C>T. VCF-style: chr15-32730821-C-T. GRCh37 (hg19) VCF-style: chr15-33023022-C-T.
Other names: c.131C>T, p.Ser44Leu (NM_001368719.1); c.114+17C>T (NM_001191323.2); c.27+104C>T (NM_001191322.2); short protein forms S44L.
Identifiers: ClinVar variation 2586805 (VCV002586805.2), dbSNP rs2055603266, ClinGen allele CA391557253.